The following is an entry in ClinVar:

ClinVar aggregate classification (germline): Uncertain significance (1 of 4 stars; one submission).

Conditions:
Spastic paraplegia. Identifiers: MedGen C0037772, HP:0001258.

gnomAD v4.1: 1 of 1,614,004 alleles (0.000062%); highest among the groups gnomAD compares: Non-Finnish European, 0.000085%; no homozygotes.

Submission:

Labcorp Genetics (formerly Invitae), Labcorp
Classification: Uncertain significance for Spastic paraplegia. Last evaluated: 2024-07-26. Review status: criteria provided, single submitter. Criteria: Invitae Variant Classification Sherloc (09022015). Collection method: clinical testing. Allele origin: germline.
Comment: This sequence change replaces leucine, which is neutral and non-polar, with valine, which is neutral and non-polar, at codon 473 of the KIF5A protein (p.Leu473Val). This variant is not present in population databases (gnomAD no frequency). This variant has not been reported in the literature in individuals affected with KIF5A-related conditions. Advanced modeling of protein sequence and biophysical properties (such as structural, functional, and spatial information, amino acid conservation, physicochemical variation, residue mobility, and thermodynamic stability) has been performed at Invitae for this missense variant, however the output from this modeling did not meet the statistical confidence thresholds required to predict the impact of this variant on KIF5A protein function. In summary, the available evidence is currently insufficient to determine the role of this variant in disease. Therefore, it has been classified as a Variant of Uncertain Significance.

NM_004984.4(KIF5A):c.1417C>G (p.Leu473Val)

Gene: KIF5A (kinesin family member 5A; plus strand). Cytogenetic location: 12q13.3.
Variant type: single nucleotide variant.
Coding change: c.1417C>G on transcript NM_004984.4 (MANE Select); coding-DNA position 1417, C replaced by G.
Protein change: p.Leu473Val; replaces leucine 473 with valine.
Molecular consequence: missense variant.
Genome position (GRCh38, 1-based): chr12:57,572,115, C>G. VCF-style: chr12-57572115-C-G. GRCh37 (hg19) VCF-style: chr12-57965898-C-G.
Other names: c.1150C>G, p.Leu384Val (NM_001354705.2); short protein forms L473V, L384V.
Identifiers: ClinVar variation 3670946 (VCV003670946.2).